The following is an entry in ClinVar:

NM_002386.4(MC1R):c.422A>T (p.Asp141Val)

Gene: MC1R (melanocortin 1 receptor; plus strand). Cytogenetic location: 16q24.3.
Variant type: single nucleotide variant.
Coding change: c.422A>T on transcript NM_002386.4 (MANE Select); coding-DNA position 422, A replaced by T.
Protein change: p.Asp141Val; replaces aspartic acid 141 with valine.
Molecular consequence: missense variant.
Genome position (GRCh38, 1-based): chr16:89,919,680, A>T. VCF-style: chr16-89919680-A-T. GRCh37 (hg19) VCF-style: chr16-89986088-A-T.
Other names: short protein forms D141V.
Identifiers: ClinVar variation 2176995 (VCV002176995.4), dbSNP rs1434063620, ClinGen allele CA397460696.

ClinVar aggregate classification (germline): Uncertain significance (1 of 4 stars; one submission).

Conditions:
Melanoma, cutaneous malignant, susceptibility to, 5. Also called: Cutaneous malignant melanoma 5. Identifiers: Orphanet 618, MedGen C2751295, MONDO:0013133, OMIM 613099.

gnomAD v4.1: 15 of 1,606,150 alleles (0.00093%); highest among the groups gnomAD compares: Non-Finnish European, 0.0013%; no homozygotes.

Submission:

Labcorp Genetics (formerly Invitae), Labcorp
Classification: Uncertain significance for Melanoma, cutaneous malignant, susceptibility to, 5. Last evaluated: 2022-04-12. Review status: criteria provided, single submitter. Criteria: Invitae Variant Classification Sherloc (09022015). Collection method: clinical testing. Allele origin: germline.
Comment: In summary, the available evidence is currently insufficient to determine the role of this variant in disease. Therefore, it has been classified as a Variant of Uncertain Significance. Algorithms developed to predict the effect of missense changes on protein structure and function (SIFT, PolyPhen-2, Align-GVGD) all suggest that this variant is likely to be disruptive. This variant has not been reported in the literature in individuals affected with MC1R-related conditions. This variant is present in population databases (no rsID available, gnomAD 0.0009%). This sequence change replaces aspartic acid, which is acidic and polar, with valine, which is neutral and non-polar, at codon 141 of the MC1R protein (p.Asp141Val).